The following is an entry in ClinVar:

ClinVar aggregate classification (germline): Uncertain significance (1 of 4 stars; one submission).

Submission:

Labcorp Genetics (formerly Invitae), Labcorp
Classification: Uncertain significance. Last evaluated: 2023-03-03. Review status: criteria provided, single submitter. Criteria: Invitae Variant Classification Sherloc (09022015). Collection method: clinical testing. Allele origin: germline.
Comment: This sequence change replaces arginine, which is basic and polar, with cysteine, which is neutral and slightly polar, at codon 83 of the CRYM protein (p.Arg83Cys). This variant is present in population databases (rs772819409, gnomAD 0.0009%). This variant has not been reported in the literature in individuals affected with CRYM-related conditions. Advanced modeling of protein sequence and biophysical properties (such as structural, functional, and spatial information, amino acid conservation, physicochemical variation, residue mobility, and thermodynamic stability) performed at Invitae indicates that this missense variant is not expected to disrupt CRYM protein function. In summary, the available evidence is currently insufficient to determine the role of this variant in disease. Therefore, it has been classified as a Variant of Uncertain Significance.

NM_001376256.1(CRYM):c.247C>T (p.Arg83Cys)

Gene: CRYM (crystallin mu; minus strand). Cytogenetic location: 16p12.2.
Variant type: single nucleotide variant.
Coding change: c.247C>T on transcript NM_001376256.1 (MANE Select); coding-DNA position 247, C replaced by T.
Protein change: p.Arg83Cys; replaces arginine 83 with cysteine.
Molecular consequence: missense variant.
Genome position (GRCh38, 1-based): chr16:21,277,508, G>A on the plus strand (C>T on the coding strand, the complement: CRYM is on the minus strand). VCF-style: chr16-21277508-G-A. GRCh37 (hg19) VCF-style: chr16-21288829-G-A.
Other names: c.247C>T, p.Arg83Cys (NM_001888.5); short protein forms R83C.
Identifiers: ClinVar variation 3006981 (VCV003006981.3), dbSNP rs772819409, ClinGen allele CA7950792.